The following is an entry in ClinVar:

NM_000038.6(APC):c.5282A>C (p.Asn1761Thr)

Gene: APC (APC regulator of Wnt signaling pathway; plus strand). Cytogenetic location: 5q22.2.
Variant type: single nucleotide variant.
Coding change: c.5282A>C on transcript NM_000038.6 (MANE Select); coding-DNA position 5282, A replaced by C.
Protein change: p.Asn1761Thr; replaces asparagine 1761 with threonine.
Molecular consequence: missense variant.
Genome position (GRCh38, 1-based): chr5:112,840,876, A>C. VCF-style: chr5-112840876-A-C. GRCh37 (hg19) VCF-style: chr5-112176573-A-C.
Other names: c.5282A>C, p.Asn1761Thr (NM_001127510.3, NM_001354895.2); c.5228A>C, p.Asn1743Thr (NM_001127511.3); c.5336A>C, p.Asn1779Thr (NM_001354896.2); c.5312A>C, p.Asn1771Thr (NM_001354897.2); c.5207A>C, p.Asn1736Thr (NM_001354898.2); c.5198A>C, p.Asn1733Thr (NM_001354899.2); c.5159A>C, p.Asn1720Thr (NM_001354900.2); c.5105A>C, p.Asn1702Thr (NM_001354901.2); and 5 more; short protein forms N1743T, N1761T, N1660T, N1702T, N1733T, N1779T, N1478T, N1601T.
Identifiers: ClinVar variation 236617 (VCV000236617.34), dbSNP rs752038930, ClinGen allele CA10582324.

ClinVar aggregate classification (germline): Conflicting classifications of pathogenicity. Review status: criteria provided, conflicting classifications (1 of 4 stars). 13 submissions from 13 submitters: Uncertain significance (11); Likely benign (1). 1 of the submissions does not count toward it. Last evaluated 2025-11-22.

Conditions:
Desmoid disease, hereditary (DESMD). Also called: FIBROMATOSIS, FAMILIAL INFILTRATIVE. Identifiers: Orphanet 873, MedGen C1851124, OMIM 135290. Disease mechanism: loss of function.
Gastric cancer. Also called: Stomach cancer; Malignant tumor of stomach. Identifiers: MedGen C0024623, MeSH D013274, MONDO:0001056, OMIM 613659, HP:0012126.
Familial adenomatous polyposis 1 (FAP1). Also called: POLYPOSIS, ADENOMATOUS INTESTINAL; FAMILIAL ADENOMATOUS POLYPOSIS 1, ATTENUATED. Identifiers: MedGen C2713442, MONDO:0021056, OMIM 175100. Disease mechanism: loss of function.
Gastric adenocarcinoma and proximal polyposis of the stomach (GAPPS). Also called: Polyposis, gastric, Dos Santos and de Magalhaes 1980; POLYPOSIS, GASTRIC; Gastric Adenocarcinoma and Proximal Polyposis of the Stomach (GAPPS). Identifiers: Orphanet 314022, MedGen C4749917, MONDO:0017790, OMIM 619182.
Hepatocellular carcinoma (HCC). Also called: Primary carcinoma of liver; HEPATOMA; LIVER CELL CARCINOMA. Identifiers: Orphanet 88673, MedGen C2239176, MONDO:0007256, OMIM 114550, HP:0001402.
Colorectal cancer. Also called: Colorectal cancer, somatic; Malignant Colorectal Neoplasm. Identifiers: MedGen C0346629, MONDO:0005575, OMIM 114500.
Hereditary cancer-predisposing syndrome. Also called: Neoplastic Syndromes, Hereditary; Hereditary neoplastic syndrome; Hereditary Cancer Syndrome; Tumor predisposition. Identifiers: Orphanet 140162, MedGen C0027672, MeSH D009386, MONDO:0015356.
Classic or attenuated familial adenomatous polyposis. Identifiers: MedGen CN372698, MONDO:0021057.

Allele frequency attached by ClinVar (database versions not stated): gnomAD 0.00001; TOPMed 0.00002.
gnomAD v4.1: 169 of 1,613,944 alleles (0.01%); highest among the groups gnomAD compares: Non-Finnish European, 0.014%; no homozygotes.

Submissions (13):

Labcorp Genetics (formerly Invitae), Labcorp
Classification: Uncertain significance for Familial adenomatous polyposis 1. Last evaluated: 2025-11-22. Review status: criteria provided, single submitter. Criteria: Invitae Variant Classification Sherloc (09022015). Collection method: clinical testing. Allele origin: germline.
Comment: This sequence change replaces asparagine, which is neutral and polar, with threonine, which is neutral and polar, at codon 1761 of the APC protein (p.Asn1761Thr). This variant is present in population databases (no rsID available, gnomAD 0.002%). This variant has not been reported in the literature in individuals affected with APC-related conditions. ClinVar contains an entry for this variant (Variation ID: 236617). Invitae Evidence Modeling of protein sequence and biophysical properties (such as structural, functional, and spatial information, amino acid conservation, physicochemical variation, residue mobility, and thermodynamic stability) indicates that this missense variant is not expected to disrupt APC protein function with a negative predictive value of 95%. In summary, the available evidence is currently insufficient to determine the role of this variant in disease. Therefore, it has been classified as a Variant of Uncertain Significance.

Quest Diagnostics Nichols Institute San Juan Capistrano
Classification: Uncertain significance. Last evaluated: 2024-08-07. Review status: criteria provided, single submitter. Criteria: Quest Diagnostics criteria. Collection method: clinical testing. Allele origin: unknown.
Comment: The APC c.5282A>C (p.Asn1761Thr) variant has been reported in the published literature in individuals with breast cancer (PMID: 25186627 (2015)) and also in a reportedly healthy individual (PMID: 18199528 (2008)). The frequency of this variant in the general population, 0.000044 (5/113028 chromosomes (Genome Aggregation Database)), is uninformative in the assessment of its pathogenicity. Analysis of this variant using bioinformatics tools for the prediction of the effect of amino acid changes on protein structure and function yielded predictions that this variant is benign. Based on the available information, we are unable to determine the clinical significance of this variant.

All of Us Research Program, National Institutes of Health
Classification: Uncertain significance for Classic or attenuated familial adenomatous polyposis. Last evaluated: 2024-08-06. Review status: criteria provided, single submitter. Criteria: ACMG Guidelines, 2015. Collection method: clinical testing. Allele origin: germline. Inheritance: Autosomal dominant inheritance. Observed: 7 variant alleles, 7 heterozygotes.
Comment: This missense variant replaces asparagine with threonine at codon 1761 of the APC protein. Computational prediction suggests that this variant may not impact protein structure and function (internally defined REVEL score threshold <= 0.5, PMID: 27666373). To our knowledge, functional studies have not been reported for this variant. This variant has not been reported in individuals affected with hereditary cancer in the literature, but has been found in a healthy individual (PMID: 18199528). This variant has been identified in 6/250488 chromosomes in the general population by the Genome Aggregation Database (gnomAD). The available evidence is insufficient to determine the role of this variant in disease conclusively. Therefore, this variant is classified as a Variant of Uncertain Significance.

This study involves interpretation of variants in research participants for the purpose of population health screening. Participant phenotype was not available at the time of variant classification. Additional details can be found in publication PMID: 35346344, PMCID: PMC8962531

Color Diagnostics, LLC DBA Color Health
Classification: Uncertain significance for Hereditary cancer-predisposing syndrome. Last evaluated: 2024-04-23. Review status: criteria provided, single submitter. Criteria: ACMG Guidelines, 2015. Collection method: clinical testing. Allele origin: germline.
Comment: This missense variant replaces asparagine with threonine at codon 1761 of the APC protein. Computational prediction suggests that this variant may not impact protein structure and function (internally defined REVEL score threshold <= 0.5, PMID: 27666373). To our knowledge, functional studies have not been reported for this variant. This variant has not been reported in individuals affected with APC-related disorders in the literature. This variant has been identified in 6/250488 chromosomes in the general population by the Genome Aggregation Database (gnomAD). The available evidence is insufficient to determine the role of this variant in disease conclusively. Therefore, this variant is classified as a Variant of Uncertain Significance.

GeneDx
Classification: Uncertain significance. Last evaluated: 2023-03-03. Review status: criteria provided, single submitter. Criteria: GeneDx Variant Classification Process June 2021. Collection method: clinical testing. Allele origin: germline. Affected: yes.
Comment: In silico analysis supports that this missense variant does not alter protein structure/function; This variant is associated with the following publications: (PMID: 18199528, 25186627)

Myriad Genetics, Inc.
Classification: Uncertain significance for Familial adenomatous polyposis 1. Last evaluated: 2023-02-15. Review status: criteria provided, single submitter. Criteria: Myriad Autosomal Dominant, Autosomal Recessive and X-Linked Classification Criteria (2023). Collection method: clinical testing. Allele origin: unknown.
Comment: This variant is classified as a variant of uncertain significance as there is insufficient evidence to determine its impact on protein function and/or cancer risk.

Sema4
Classification: Uncertain significance for Hereditary cancer-predisposing syndrome. Last evaluated: 2021-11-16. Review status: criteria provided, single submitter. Criteria: Sema4 Curation Guidelines. Collection method: curation. Allele origin: germline.
Comment: The APC c.5282A>C (p.N1761T) variant has been reported in heterozygosity in at least 2 individuals with breast cancer (PMID: 25186627) and was also identified in a healthy control (PMID: 18199528). This variant was observed in 5/113028 chromosomes in the Non-Finnish European population, according to the Genome Aggregation Database (PMID: 32461654). The variant has been reported in ClinVar (Variation ID 236617). Functional studies have not been performed, and in silico predictions of the variant's effect on protein function are inconclusive. The overall evidence is inconsistent with ACMG/AMP requirements for a classification of benign or pathogenic. In summary, the clinical significance of this variant is currently uncertain.

Fulgent Genetics
Classification: Uncertain significance for Colorectal cancer; Hepatocellular carcinoma; Desmoid disease, hereditary; Familial adenomatous polyposis 1; Gastric cancer; Gastric adenocarcinoma and proximal polyposis of the stomach. Last evaluated: 2021-08-18. Review status: criteria provided, single submitter. Criteria: ACMG Guidelines, 2015. Collection method: clinical testing. Allele origin: unknown.

Ambry Genetics
Classification: Likely benign for Hereditary cancer-predisposing syndrome. Last evaluated: 2020-11-19. Review status: criteria provided, single submitter. Criteria: Ambry Variant Classification Scheme 2023. Collection method: clinical testing. Allele origin: germline.

Department of Pathology and Laboratory Medicine, Sinai Health System
Classification: Uncertain significance for Familial adenomatous polyposis 1; Desmoid disease, hereditary. Last evaluated: 2020-11-19. Review status: criteria provided, single submitter. Criteria: ACMG Guidelines, 2015. Collection method: clinical testing. Allele origin: germline. Affected: yes.

PreventionGenetics, part of Exact Sciences
Classification: Uncertain significance. Last evaluated: 2017-07-31. Review status: criteria provided, single submitter. Criteria: ACMG Guidelines, 2015. Collection method: clinical testing. Allele origin: germline.

Women's Health and Genetics/Laboratory Corporation of America, LabCorp
Classification: Uncertain significance. Last evaluated: 2017-04-13. Review status: criteria provided, single submitter. Criteria: LabCorp Variant Classification Summary - May 2015. Collection method: clinical testing. Allele origin: germline.
Comment: Variant summary: The APC c.5282A>C (p.Asn1761Thr) variant involves the alteration of a non-conserved nucleotide and 2/4 in silico tools (SNPs&GO not captured due to low reliability index) predict a benign outcome for this variant. However, these predictions have yet to be functionally assessed. This variant was found in 1/122416 control chromosomes at a frequency of 0.0000082, which does not exceed the estimated maximal expected allele frequency of a pathogenic APC variant (0.0000714). In addition, multiple clinical diagnostic laboratories classified this variant as uncertain significance. The variant of interest has not, to our knowledge, been reported in affected individuals via publications. Because of the absence of clinical information and the lack of functional studies, the variant is classified as a "Variant of Uncertain Significance (VUS)," until additional information becomes available.

Counsyl
Classification: Uncertain significance for Familial adenomatous polyposis 1. Last evaluated: 2016-06-16. Review status: no assertion criteria provided. Collection method: clinical testing. Allele origin: unknown. Not counted in ClinVar's aggregate classification.

Literature cited by the submitters: PubMed 18199528 (cited by 7 submitters); PubMed 25186627 (cited by 3 submitters); PubMed 31854063 (cited by Quest Diagnostics Nichols Institute San Juan Capistrano); PubMed 34707284 (cited by Quest Diagnostics Nichols Institute San Juan Capistrano).